The following is an entry in ClinVar:

ClinVar aggregate classification (germline): Uncertain significance (1 of 4 stars; one submission).

Submission:

Women's Health and Genetics/Laboratory Corporation of America, LabCorp
Classification: Uncertain significance. Last evaluated: 2024-06-06. Review status: criteria provided, single submitter. Criteria: LabCorp Variant Classification Summary - May 2015. Collection method: clinical testing. Allele origin: germline.
Comment: Variant summary: The variant involves the deletion of exons 27-28 in the VPS35L gene. This Copy Number Variant (CNV) is predicted to result in an in-frame deletion within this gene. A presumed nomenclature of c.(2221+1_2222-1)_(2527+1_2528-1)del has been designated for the purposes of this classification. The variant allele was found at a frequency of 4.8e-05 in 21028 control chromosomes (gnomAD, structural variants data set). To our knowledge, no occurrence of c.(2221+1_2222-1)_(2527+1_2528-1)del in individuals affected with Ritscher-Schinzel Syndrome 3 and no experimental evidence demonstrating its impact on protein function have been reported. However, missense variants in the overlapping deleted region have been reported in patients affected with features of Ritscher-Schinzel syndrome (PMID: 36113987,31712251). No submitters have cited clinical-significance assessments for this variant to ClinVar. Based on the evidence outlined above, the variant was classified as VUS-possibly pathogenic.

NC_000016.9:g.(19663413_19680481)_(19693713_19702674)del

Gene: VPS35L (VPS35 endosomal protein sorting factor like; plus strand). Cytogenetic location: 16p12.3.
Variant type: Deletion.
Identifiers: ClinVar variation 3339719 (VCV003339719.1).